The following is an entry in ClinVar:

ClinVar aggregate classification (germline): Uncertain significance. Review status: criteria provided, multiple submitters, no conflicts (2 of 4 stars). 2 submissions from 2 submitters: Uncertain significance (2). Last evaluated 2023-10-13.

Conditions:
Hereditary cancer-predisposing syndrome. Also called: Neoplastic Syndromes, Hereditary; Hereditary Cancer Syndrome; Hereditary neoplastic syndrome; Tumor predisposition. Identifiers: Orphanet 140162, MedGen C0027672, MeSH D009386, MONDO:0015356.
Gastrointestinal stromal tumor. Also called: Gastrointestinal stromal tumor, somatic; Gastrointestinal stroma tumor. Identifiers: Orphanet 44890, MedGen C0238198, MeSH D046152, MONDO:0011719, OMIM 606764, HP:0100723.

Allele frequency attached by ClinVar (database versions not stated): TOPMed below 0.00001; gnomAD 0.00001; ESP Exome Variant Server 0.00008.
gnomAD v4.1: 1 of 1,611,838 alleles (0.000062%); highest among the groups gnomAD compares: African/African-American, 0.0013%; no homozygotes.

Submissions (2):

Ambry Genetics
Classification: Uncertain significance for Hereditary cancer-predisposing syndrome. Last evaluated: 2023-10-13. Review status: criteria provided, single submitter. Criteria: Ambry Variant Classification Scheme 2023. Collection method: clinical testing. Allele origin: germline.
Comment: The p.V977G variant (also known as c.2930T>G), located in coding exon 21 of the PDGFRA gene, results from a T to G substitution at nucleotide position 2930. The valine at codon 977 is replaced by glycine, an amino acid with dissimilar properties. This variant has been reported in 1/1120 pediatric cancer patients, who underwent whole genome sequencing and/or whole exome sequencing; this patient was diagnosed with osteosarcoma (Zhang J et al. N. Engl. J. Med. 2015 Dec;373:2336-2346). This amino acid position is highly conserved in available vertebrate species. In addition, this alteration is predicted to be deleterious by in silico analysis. Since supporting evidence is limited at this time, the clinical significance of this alteration remains unclear.

Labcorp Genetics (formerly Invitae), Labcorp
Classification: Uncertain significance for Gastrointestinal stromal tumor. Last evaluated: 2023-10-04. Review status: criteria provided, single submitter. Criteria: Invitae Variant Classification Sherloc (09022015). Collection method: clinical testing. Allele origin: germline.
Comment: This sequence change replaces valine, which is neutral and non-polar, with glycine, which is neutral and non-polar, at codon 977 of the PDGFRA protein (p.Val977Gly). This variant is not present in population databases (gnomAD no frequency). This variant has not been reported in the literature in individuals affected with PDGFRA-related conditions. ClinVar contains an entry for this variant (Variation ID: 822283). Advanced modeling of protein sequence and biophysical properties (such as structural, functional, and spatial information, amino acid conservation, physicochemical variation, residue mobility, and thermodynamic stability) performed at Invitae indicates that this missense variant is not expected to disrupt PDGFRA protein function. In summary, the available evidence is currently insufficient to determine the role of this variant in disease. Therefore, it has been classified as a Variant of Uncertain Significance.

Literature cited by the submitters: PubMed 26580448 (cited by Ambry Genetics).

NM_006206.6(PDGFRA):c.2930T>G (p.Val977Gly)

Gene: PDGFRA (platelet derived growth factor receptor alpha; plus strand). Cytogenetic location: 4q12.
Variant type: single nucleotide variant.
Coding change: c.2930T>G on transcript NM_006206.6 (MANE Select); coding-DNA position 2930, T replaced by G.
Protein change: p.Val977Gly; replaces valine 977 with glycine.
Molecular consequence: missense variant.
Genome position (GRCh38, 1-based): chr4:54,290,362, T>G. VCF-style: chr4-54290362-T-G. GRCh37 (hg19) VCF-style: chr4-55156529-T-G.
Other names: c.3005T>G, p.Val1002Gly (NM_001347828.2); c.2930T>G, p.Val977Gly (NM_001347829.2); c.2969T>G, p.Val990Gly (NM_001347830.2); short protein forms V990G, V977G, V1002G.
Identifiers: ClinVar variation 822283 (VCV000822283.14), dbSNP rs375104103, ClinGen allele CA96830099.
Genomic context (GRCh38, chr4:54,290,362, plus strand): 5'-AATGTTTATAGAGTTATGAAAAAATTCACCTGGACTTCCTGAAGAGTGACCATCCTGCTG[T>G]GGCACGCATGCGTGTGGACTCAGACAATGCATACATTGGTGTCACCTACAAAAACGAGGA-3'
Protein context (NP_006197.1, residues 967-987): LDFLKSDHPA[Val977Gly]ARMRVDSDNA